The following is an entry in ClinVar:

ClinVar aggregate classification (germline): Uncertain significance. Review status: criteria provided, multiple submitters, no conflicts (2 of 4 stars). 2 submissions from 2 submitters: Uncertain significance (2). Last evaluated 2022-08-05.

Conditions:
Arterial calcification, generalized, of infancy, 2. Identifiers: Orphanet 51608, MedGen C3276161, MONDO:0013768, OMIM 614473.
Autosomal recessive inherited pseudoxanthoma elasticum (PXE). Identifiers: Orphanet 758, MedGen CN032334, MONDO:0009925, OMIM 264800.
Pseudoxanthoma elasticum, forme fruste. Also called: Pseudoxanthoma Elasticum, Incomplete; PSEUDOXANTHOMA ELASTICUM, HETEROZYGOUS. Identifiers: Orphanet 758, MedGen C1867450, MONDO:0008333, OMIM 177850.

Allele frequency attached by ClinVar (database versions not stated): ExAC 0.00001; gnomAD 0.00002; gnomAD exomes 0.00002 and 0.00006; TOPMed 0.00004.
gnomAD v4.1: 90 of 1,614,022 alleles (0.0056%); highest among the groups gnomAD compares: Non-Finnish European, 0.0069%; no homozygotes.

Submissions (2):

Labcorp Genetics (formerly Invitae), Labcorp
Classification: Uncertain significance. Last evaluated: 2022-08-05. Review status: criteria provided, single submitter. Criteria: Invitae Variant Classification Sherloc (09022015). Collection method: clinical testing. Allele origin: germline.
Comment: This sequence change falls in intron 27 of the ABCC6 gene. It does not directly change the encoded amino acid sequence of the ABCC6 protein. It affects a nucleotide within the consensus splice site. This variant is present in population databases (rs774245200, gnomAD 0.003%). This variant has not been reported in the literature in individuals affected with ABCC6-related conditions. ClinVar contains an entry for this variant (Variation ID: 1509103). Variants that disrupt the consensus splice site are a relatively common cause of aberrant splicing (PMID: 17576681, 9536098). Algorithms developed to predict the effect of sequence changes on RNA splicing suggest that this variant is not likely to affect RNA splicing. In summary, the available evidence is currently insufficient to determine the role of this variant in disease. Therefore, it has been classified as a Variant of Uncertain Significance.

Fulgent Genetics
Classification: Uncertain significance for Pseudoxanthoma elasticum, forme fruste; Autosomal recessive inherited pseudoxanthoma elasticum; Arterial calcification, generalized, of infancy, 2. Last evaluated: 2022-04-14. Review status: criteria provided, single submitter. Criteria: ACMG Guidelines, 2015. Collection method: clinical testing. Allele origin: unknown.

Literature cited by the submitters: PubMed 17576681 (cited by Labcorp Genetics (formerly Invitae), Labcorp); PubMed 9536098 (cited by Labcorp Genetics (formerly Invitae), Labcorp).

NM_001171.6(ABCC6):c.3882+5G>A

Gene: ABCC6 (ATP binding cassette subfamily C member 6; minus strand). Cytogenetic location: 16p13.11.
Variant type: single nucleotide variant.
Coding change: c.3882+5G>A on transcript NM_001171.6 (MANE Select); 5 bases into the intron after coding-DNA position 3882, G replaced by A.
Molecular consequence: intron variant.
Genome position (GRCh38, 1-based): chr16:16,157,658, C>T on the plus strand (G>A on the coding strand, the complement: ABCC6 is on the minus strand). VCF-style: chr16-16157658-C-T. GRCh37 (hg19) VCF-style: chr16-16251515-C-T.
Other names: c.3540+5G>A (NM_001351800.1).
Identifiers: ClinVar variation 1509103 (VCV001509103.5), dbSNP rs774245200, ClinGen allele CA7925396.